The following is an entry in ClinVar:

NM_000038.6(APC):c.220+229T>G

Gene: APC (APC regulator of WNT signaling pathway; plus strand). Cytogenetic location: 5q22.2.
Variant type: single nucleotide variant.
Coding change: c.220+229T>G on transcript NM_000038.6 (MANE Select); 229 bases into the intron after coding-DNA position 220, T replaced by G.
Molecular consequence: intron variant.
Genome position (GRCh38, 1-based): chr5:112,766,639, T>G. VCF-style: chr5-112766639-T-G. GRCh37 (hg19) VCF-style: chr5-112102336-T-G.
Other names: c.220+229T>G (NM_001354895.2, NM_001127510.3, NM_001354896.2 and 2 more transcripts); c.250+229T>G (NM_001354897.2, NM_001354902.2, NM_001127511.3); c.145+229T>G (NM_001354898.2, NM_001354904.2); c.-816+229T>G (NM_001354906.2); c.43+229T>G (NM_001354900.2, NM_001354901.2, NM_001354905.2).
Identifiers: ClinVar variation 82400 (VCV000082400.2), dbSNP rs75275297, ClinGen allele CA007236.

ClinVar aggregate classification (germline): other (0 of 4 stars; one submission).

Conditions:
Familial colorectal cancer. Identifiers: MedGen CN280943, MONDO:0023113. Disease mechanism: loss of function.

Submission:

Systems Biology Platform Zhejiang California International NanoSystems Institute
Classification: other for Familial colorectal cancer. Review status: no assertion criteria provided. Collection method: not provided. Allele origin: unknown.
ClinVar note: Converted during submission from cancer to other.